The following is an entry in ClinVar:

ClinVar aggregate classification (germline): Conflicting classifications of pathogenicity. Review status: criteria provided, conflicting classifications (1 of 4 stars). 3 submissions from 3 submitters: Likely pathogenic (1); Uncertain significance (2). Last evaluated 2026-05-12.

Conditions:
LOXHD1-related disorder. Also called: LOXHD1-related condition.

Allele frequency attached by ClinVar (database versions not stated): gnomAD exomes 0.00001; TOPMed 0.00002; ESP Exome Variant Server 0.00022; gnomAD 0.00001.
gnomAD v4.1: 17 of 1,551,530 alleles (0.0011%); highest among the groups gnomAD compares: South Asian, 0.0024%; no homozygotes.

Submissions (3):

PreventionGenetics, part of Exact Sciences
Classification: Uncertain significance for LOXHD1-related condition. Last evaluated: 2026-05-12. Review status: criteria provided, single submitter. Criteria: ACMG Guidelines, 2015. Collection method: clinical testing. Allele origin: germline.
Comment: The LOXHD1 c.4465G>A variant is predicted to result in the amino acid substitution p.Gly1489Arg. This variant was reported along with a likely causative variant in an individual with hearing loss (Table S2, Baux et al. 2017. PubMed ID: 29196752). This variant is reported in 0.0033% of alleles in individuals of European (Non-Finnish) descent in gnomAD. At this time, the clinical significance of this variant is uncertain due to the absence of conclusive functional and genetic evidence.

Blueprint Genetics
Classification: Likely pathogenic for LOXHD1-related disorders. Last evaluated: 2023-12-29. Review status: criteria provided, single submitter. Criteria: ACMG Guidelines, 2015. Collection method: clinical testing. Allele origin: germline. Affected: yes. Observed: 3 variant alleles.

Labcorp Genetics (formerly Invitae), Labcorp
Classification: Uncertain significance. Last evaluated: 2022-03-04. Review status: criteria provided, single submitter. Criteria: Invitae Variant Classification Sherloc (09022015). Collection method: clinical testing. Allele origin: germline.
Comment: This sequence change replaces glycine, which is neutral and non-polar, with arginine, which is basic and polar, at codon 1489 of the LOXHD1 protein (p.Gly1489Arg). This variant is present in population databases (rs199695409, gnomAD 0.003%). This missense change has been observed in individual(s) with autosomal recessive deafness (PMID: 29196752). Algorithms developed to predict the effect of missense changes on protein structure and function are either unavailable or do not agree on the potential impact of this missense change (SIFT: "Deleterious"; PolyPhen-2: "Probably Damaging"; Align-GVGD: "Class C15"). In summary, the available evidence is currently insufficient to determine the role of this variant in disease. Therefore, it has been classified as a Variant of Uncertain Significance.

Literature cited by the submitters: PubMed 29196752 (cited by Labcorp Genetics (formerly Invitae), Labcorp).

NM_001384474.1(LOXHD1):c.4465G>A (p.Gly1489Arg)

Gene: LOXHD1 (lipoxygenase homology PLAT domains 1; minus strand). Cytogenetic location: 18q21.1.
Variant type: single nucleotide variant.
Coding change: c.4465G>A on transcript NM_001384474.1 (MANE Select); coding-DNA position 4465, G replaced by A.
Protein change: p.Gly1489Arg; replaces glycine 1489 with arginine.
Molecular consequence: missense variant.
Genome position (GRCh38, 1-based): chr18:46,529,242, C>T on the plus strand (G>A on the coding strand, the complement: LOXHD1 is on the minus strand). VCF-style: chr18-46529242-C-T. GRCh37 (hg19) VCF-style: chr18-44109205-C-T.
Other names: c.4465G>A (NM_144612.6); c.1132G>A, p.Gly378Arg (NM_001145472.3); c.844G>A, p.Gly282Arg (NM_001308013.2); c.4465G>A, p.Gly1489Arg (NM_144612.7); short protein forms G378R, G282R, G1489R.
Identifiers: ClinVar variation 2153894 (VCV002153894.3), dbSNP rs199695409, ClinGen allele CA299802809.